The following is an entry in ClinVar:

ClinVar aggregate classification (germline): Conflicting classifications of pathogenicity. Review status: criteria provided, conflicting classifications (1 of 4 stars). 4 submissions from 4 submitters: Uncertain significance (1); Likely benign (3). Last evaluated 2025-12-03.

Conditions:
Hereditary cancer-predisposing syndrome. Also called: Tumor predisposition; Neoplastic Syndromes, Hereditary; Hereditary Cancer Syndrome; Hereditary neoplastic syndrome. Identifiers: Orphanet 140162, MedGen C0027672, MeSH D009386, MONDO:0015356.
Tuberous sclerosis 1 (TSC1). Identifiers: Orphanet 805, MedGen C1854465, MONDO:0008612, OMIM 191100.

Allele frequency attached by ClinVar (database versions not stated): gnomAD exomes below 0.00001; ExAC 0.00001.
gnomAD v4.1: 1 of 1,614,190 alleles (0.000062%); highest among the groups gnomAD compares: Admixed American, 0.0017%; no homozygotes.

Submissions (4):

Labcorp Genetics (formerly Invitae), Labcorp
Classification: Likely benign for Tuberous sclerosis 1. Last evaluated: 2025-12-03. Review status: criteria provided, single submitter. Criteria: Invitae Variant Classification Sherloc (09022015). Collection method: clinical testing. Allele origin: germline.

Ambry Genetics
Classification: Uncertain significance for Hereditary cancer-predisposing syndrome. Last evaluated: 2025-01-29. Review status: criteria provided, single submitter. Criteria: Ambry Variant Classification Scheme 2023. Collection method: clinical testing. Allele origin: germline.
Comment: The p.P1138H variant (also known as c.3413C>A), located in coding exon 21 of the TSC1 gene, results from a C to A substitution at nucleotide position 3413. The proline at codon 1138 is replaced by histidine, an amino acid with similar properties. This amino acid position is not well conserved in available vertebrate species. In addition, this alteration is predicted to be tolerated by in silico analysis. Based on the available evidence, the clinical significance of this variant remains unclear.

Genome-Nilou Lab
Classification: Likely benign for Tuberous sclerosis 1. Last evaluated: 2021-11-07. Review status: criteria provided, single submitter. Criteria: ACMG Guidelines, 2015. Collection method: clinical testing. Allele origin: germline. Affected: no.

GeneDx
Classification: Likely benign. Last evaluated: 2019-05-02. Review status: criteria provided, single submitter. Criteria: GeneDx Variant Classification Process June 2021. Collection method: clinical testing. Allele origin: germline. Affected: yes.

NM_000368.5(TSC1):c.3413C>A (p.Pro1138His)

Gene: TSC1 (TSC complex subunit 1; minus strand). Cytogenetic location: 9q34.13.
Variant type: single nucleotide variant.
Coding change: c.3413C>A on transcript NM_000368.5 (MANE Select); coding-DNA position 3413, C replaced by A.
Protein change: p.Pro1138His; replaces proline 1138 with histidine.
Molecular consequence: missense variant.
Genome position (GRCh38, 1-based): chr9:132,896,317, G>T on the plus strand (C>A on the coding strand, the complement: TSC1 is on the minus strand). VCF-style: chr9-132896317-G-T. GRCh37 (hg19) VCF-style: chr9-135771704-G-T.
Other names: c.3410C>A, p.Pro1137His (NM_001162426.2); c.3260C>A, p.Pro1087His (NM_001162427.2); c.3050C>A, p.Pro1017His (NM_001362177.2); short protein forms P1138H, P1017H, P1137H, P1087H.
Identifiers: ClinVar variation 486587 (VCV000486587.21), dbSNP rs756449737, ClinGen allele CA036822.